The following is an entry in ClinVar:

NM_178140.4(PDZD2):c.5708_5716del (p.Ala1903_Ala1905del)

Gene: PDZD2 (PDZ domain containing 2; plus strand). Cytogenetic location: 5p13.3.
Variant type: Deletion.
Coding change: c.5708_5716del on transcript NM_178140.4 (MANE Select); coding-DNA positions 5708 to 5716, 9 bases deleted (CGAATGCTG; older notation c.5708_5716delCGAATGCTG).
Protein change: p.Ala1903_Ala1905del.
Genome position (GRCh38, 1-based): chr5:32,089,156-32,089,164, CGAATGCTG deleted; deleting any 9 consecutive bases within chr5:32,089,151-32,089,164 gives the same sequence; the c. name uses the placement nearest the transcript's 3' end. VCF-style (leftmost placement, unchanged base first): chr5-32089150-CTGCTGCGAA-C. GRCh37 (hg19) VCF-style: chr5-32089256-CTGCTGCGAA-C.
Identifiers: ClinVar variation 3041150 (VCV003041150.2), dbSNP rs202059475, ClinGen allele CA3219963.

ClinVar aggregate classification (germline): Benign (0 of 4 stars; one submission).

Conditions:
PDZD2-related disorder. Also called: PDZD2-related condition.

Submission:

PreventionGenetics, part of Exact Sciences
Classification: Benign for PDZD2-related condition. Last evaluated: 2019-09-18. Review status: no assertion criteria provided. Collection method: clinical testing. Allele origin: germline.
Comment: This variant is classified as benign based on ACMG/AMP sequence variant interpretation guidelines (Richards et al. 2015 PMID: 25741868, with internal and published modifications).